The following is an entry in ClinVar:

NM_015378.4(VPS13D):c.5558A>G (p.His1853Arg)

Gene: VPS13D (vacuolar protein sorting 13 homolog D; plus strand). Cytogenetic location: 1p36.22.
Variant type: single nucleotide variant.
Coding change: c.5558A>G on transcript NM_015378.4 (MANE Select); coding-DNA position 5558, A replaced by G.
Protein change: p.His1853Arg; replaces histidine 1853 with arginine.
Molecular consequence: missense variant.
Genome position (GRCh38, 1-based): chr1:12,283,660, A>G. VCF-style: chr1-12283660-A-G. GRCh37 (hg19) VCF-style: chr1-12343717-A-G.
Other names: c.5558A>G, p.His1853Arg (NM_018156.4); short protein forms H1853R.
Identifiers: ClinVar variation 1937042 (VCV001937042.5), dbSNP rs2524056330, ClinGen allele CA338483952.

ClinVar aggregate classification (germline): Uncertain significance (1 of 4 stars; one submission).

gnomAD v4.1: 1 of 1,614,208 alleles (0.000062%); highest among the groups gnomAD compares: Non-Finnish European, 0.000085%; no homozygotes.

Submission:

Labcorp Genetics (formerly Invitae), Labcorp
Classification: Uncertain significance. Last evaluated: 2022-07-20. Review status: criteria provided, single submitter. Criteria: Invitae Variant Classification Sherloc (09022015). Collection method: clinical testing. Allele origin: germline.
Comment: In summary, the available evidence is currently insufficient to determine the role of this variant in disease. Therefore, it has been classified as a Variant of Uncertain Significance. Algorithms developed to predict the effect of missense changes on protein structure and function are either unavailable or do not agree on the potential impact of this missense change (SIFT: "Not Available"; PolyPhen-2: "Benign"; Align-GVGD: "Not Available"). This variant has not been reported in the literature in individuals affected with VPS13D-related conditions. This variant is not present in population databases (gnomAD no frequency). This sequence change replaces histidine, which is basic and polar, with arginine, which is basic and polar, at codon 1853 of the VPS13D protein (p.His1853Arg).